The following is an entry in ClinVar:

NM_177438.3(DICER1):c.2749G>T (p.Glu917Ter)

Gene: DICER1 (dicer 1, ribonuclease III; minus strand). Cytogenetic location: 14q32.13.
Variant type: single nucleotide variant.
Coding change: c.2749G>T on transcript NM_177438.3 (MANE Select); coding-DNA position 2749, G replaced by T.
Protein change: p.Glu917Ter; replaces glutamic acid 917 with a stop codon.
Molecular consequence: nonsense.
Genome position (GRCh38, 1-based): chr14:95,107,663, C>A on the plus strand (G>T on the coding strand, the complement: DICER1 is on the minus strand). VCF-style: chr14-95107663-C-A. GRCh37 (hg19) VCF-style: chr14-95574000-C-A.
Other names: c.2749G>T, p.Glu917Ter (NM_001195573.1, NM_001271282.3, NM_001291628.2 and 1 more transcripts); short protein forms E917*.
Identifiers: ClinVar variation 254311 (VCV000254311.8), dbSNP rs886037692, ClinGen allele CA10586439.
Genomic context (GRCh38, chr14:95,107,663, plus strand): 5'-CCTACCTTGGAATGATAACGGCATCTTGGTAATCTTCTAATTTAAAAACAAAGGGTGTTT[C>A]TTTTGTATACTTTGTACTGGGAATGCCTATGCGAGCTTCAGACTTCTCAATATCTTCCAT-3'

ClinVar aggregate classification (germline): Pathogenic. Review status: criteria provided, multiple submitters, no conflicts (2 of 4 stars). 3 submissions from 3 submitters: Pathogenic (3). Last evaluated 2022-07-28.

Conditions:
DICER1-related tumor predisposition. Also called: DICER1 syndrome; DICER1-related pleuropulmonary blastoma cancer predisposition syndrome. Identifiers: Orphanet 284343, MedGen C3839822, MONDO:0100216.
Hereditary cancer-predisposing syndrome. Also called: Tumor predisposition; Hereditary Cancer Syndrome; Neoplastic Syndromes, Hereditary; Hereditary neoplastic syndrome. Identifiers: Orphanet 140162, MedGen C0027672, MeSH D009386, MONDO:0015356.

Submissions (3):

Ambry Genetics
Classification: Pathogenic for Hereditary cancer-predisposing syndrome. Last evaluated: 2022-07-28. Review status: criteria provided, single submitter. Criteria: Ambry Variant Classification Scheme 2023. Collection method: clinical testing. Allele origin: germline.
Comment: The p.E917* pathogenic mutation (also known as c.2749G>T), located in coding exon 16 of the DICER1 gene, results from a G to T substitution at nucleotide position 2749. This changes the amino acid from a glutamic acid to a stop codon within coding exon 16. This alteration has been observed in at least one individual with a personal and/or family history that is consistent with DICER1-related disease (Ambry internal data). This variant is considered to be rare based on population cohorts in the Genome Aggregation Database (gnomAD). This alteration is expected to result in loss of function by premature protein truncation or nonsense-mediated mRNA decay. As such, this alteration is interpreted as a disease-causing mutation.

Foulkes Cancer Genetics LDI, Lady Davis Institute for Medical Research
Classification: Pathogenic for Pleuropulmonary blastoma. Last evaluated: 2019-07-01. Review status: criteria provided, single submitter. Criteria: ACMG Guidelines, 2015. Collection method: curation. Allele origin: germline. Affected: yes. Observed: 1 variant allele.
Comment: ACMG criteria met: PVS1, PM2, PP4

International Pleuropulmonary Blastoma Registry, Children's Hospitals and Clinics of Minnesota
Classification: Pathogenic for Pleuropulmonary blastoma. Last evaluated: 2014-11-10. Review status: criteria provided, single submitter. Criteria: Hill et al. (Science. 2009). Collection method: clinical testing. Allele origin: germline. Affected: yes. Study: PPB-DICER1 Genetic study.

Literature cited by the submitters: PubMed 26925222 (cited by Foulkes Cancer Genetics LDI, Lady Davis Institute for Medical Research and International Pleuropulmonary Blastoma Registry, Children's Hospitals and Clinics of Minnesota).